The following is an entry in ClinVar:

ClinVar aggregate classification (germline): Pathogenic (1 of 4 stars; one submission).

Submission:

Labcorp Genetics (formerly Invitae), Labcorp
Classification: Pathogenic. Last evaluated: 2025-09-24. Review status: criteria provided, single submitter. Criteria: Invitae Variant Classification Sherloc (09022015). Collection method: clinical testing. Allele origin: germline.
Comment: This sequence change creates a premature translational stop signal (p.Glu418*) in the CTNNA1 gene. It is expected to result in an absent or disrupted protein product. Loss-of-function variants in CTNNA1 are known to be pathogenic (PMID: 32051609, 34425242). This variant is not present in population databases (gnomAD no frequency). This variant has not been reported in the literature in individuals affected with CTNNA1-related conditions. For these reasons, this variant has been classified as Pathogenic.

Literature cited by the submitters: PubMed 32051609; PubMed 34425242.

NM_001903.5(CTNNA1):c.1252G>T (p.Glu418Ter)

Gene: CTNNA1 (catenin alpha 1; plus strand). Cytogenetic location: 5q31.2.
Variant type: single nucleotide variant.
Coding change: c.1252G>T on transcript NM_001903.5 (MANE Select); coding-DNA position 1252, G replaced by T.
Protein change: p.Glu418Ter; replaces glutamic acid 418 with a stop codon.
Molecular consequence: nonsense. On other transcripts: 5 prime UTR variant (5), intron variant (2).
Genome position (GRCh38, 1-based): chr5:138,887,598, G>T. VCF-style: chr5-138887598-G-T. GRCh37 (hg19) VCF-style: chr5-138223287-G-T.
Other names: c.1252G>T, p.Glu418Ter (NM_001290307.3, NM_001323982.2, NM_001323983.1 and 3 more transcripts); c.943G>T, p.Glu315Ter (NM_001290309.3); c.883G>T, p.Glu295Ter (NM_001290310.3); c.142G>T, p.Glu48Ter (NM_001290312.1, NM_001323987.1, NM_001323988.1 and 18 more transcripts); c.-256G>T (NM_001324006.1, NM_001324007.1, NM_001324008.1 and 1 more transcripts); c.-131G>T (NM_001324013.1); c.-58+12001G>T (NM_001324012.1); c.-61+12001G>T (NM_001324010.1); short protein forms E418*, E295*, E48*, E315*.
Identifiers: ClinVar variation 4727430 (VCV004727430.1).